The following is an entry in ClinVar:

NM_001035.3(RYR2):c.2430A>C (p.Glu810Asp)

Gene: RYR2 (ryanodine receptor 2; plus strand). Cytogenetic location: 1q43.
Variant type: single nucleotide variant.
Coding change: c.2430A>C on transcript NM_001035.3 (MANE Select); coding-DNA position 2430, A replaced by C.
Protein change: p.Glu810Asp; replaces glutamic acid 810 with aspartic acid.
Molecular consequence: missense variant.
Genome position (GRCh38, 1-based): chr1:237,503,322, A>C. VCF-style: chr1-237503322-A-C. GRCh37 (hg19) VCF-style: chr1-237666622-A-C.
Other names: short protein forms E810D.
Identifiers: ClinVar variation 2422202 (VCV002422202.6), dbSNP rs1252500928, ClinGen allele CA345378729.

ClinVar aggregate classification (germline): Uncertain significance (1 of 4 stars; one submission).

Conditions:
Catecholaminergic polymorphic ventricular tachycardia 1. Also called: VENTRICULAR TACHYCARDIA, CATECHOLAMINERGIC POLYMORPHIC, 1, WITH OR WITHOUT ATRIAL DYSFUNCTION AND/OR DILATED CARDIOMYOPATHY; VENTRICULAR TACHYCARDIA, STRESS-INDUCED POLYMORPHIC 1; RYR2-Related Catecholaminergic Polymorphic Ventricular Tachycardia. Identifiers: Orphanet 3286, MedGen C1631597, MONDO:0011484, OMIM 604772.

Allele frequency attached by ClinVar (database versions not stated): gnomAD exomes below 0.00001; TOPMed below 0.00001; gnomAD 0.00001.
gnomAD v4.1: 4 of 1,613,130 alleles (0.00025%); highest among the groups gnomAD compares: Admixed American, 0.0067%; no homozygotes.

Submission:

Labcorp Genetics (formerly Invitae), Labcorp
Classification: Uncertain significance for Catecholaminergic polymorphic ventricular tachycardia 1. Last evaluated: 2025-12-16. Review status: criteria provided, single submitter. Criteria: Invitae Variant Classification Sherloc (09022015). Collection method: clinical testing. Allele origin: germline.
Comment: This sequence change replaces glutamic acid, which is acidic and polar, with aspartic acid, which is acidic and polar, at codon 810 of the RYR2 protein (p.Glu810Asp). This variant is present in population databases (no rsID available, gnomAD 0.003%). This variant has not been reported in the literature in individuals affected with RYR2-related conditions. ClinVar contains an entry for this variant (Variation ID: 2422202). Invitae Evidence Modeling of protein sequence and biophysical properties (such as structural, functional, and spatial information, amino acid conservation, physicochemical variation, residue mobility, and thermodynamic stability) indicates that this missense variant is not expected to disrupt RYR2 protein function with a negative predictive value of 95%. In summary, the available evidence is currently insufficient to determine the role of this variant in disease. Therefore, it has been classified as a Variant of Uncertain Significance.